The following is an entry in ClinVar:

ClinVar aggregate classification (germline): Uncertain significance (1 of 4 stars; one submission).

Conditions:
Hereditary cancer-predisposing syndrome. Also called: Neoplastic Syndromes, Hereditary; Tumor predisposition; Hereditary Cancer Syndrome; Hereditary neoplastic syndrome. Identifiers: Orphanet 140162, MedGen C0027672, MeSH D009386, MONDO:0015356.

Submission:

Color Diagnostics, LLC DBA Color Health
Classification: Uncertain significance for Hereditary cancer-predisposing syndrome. Last evaluated: 2024-03-06. Review status: criteria provided, single submitter. Criteria: ACMG Guidelines, 2015. Collection method: clinical testing. Allele origin: germline.
Comment: This missense variant replaces asparagine with isoleucine at codon 2431 of the BRCA2 protein. Computational prediction tool is inconclusive regarding the impact of this variant on protein structure and function (internally defined REVEL score threshold 0.5 < inconclusive < 0.7, PMID: 27666373). Splice site prediction tools suggest that this variant may not impact RNA splicing. To our knowledge, functional studies have not been performed for this variant. This variant has not been reported in individuals affected with hereditary cancer in the literature. This variant has not been identified in the general population by the Genome Aggregation Database (gnomAD). The available evidence is insufficient to determine the role of this variant in disease conclusively. Therefore, this variant is classified as a Variant of Uncertain Significance.

NM_000059.4(BRCA2):c.7292A>T (p.Asn2431Ile)

Gene: BRCA2 (BRCA2 DNA repair associated; plus strand). Cytogenetic location: 13q13.1.
Variant type: single nucleotide variant.
Coding change: c.7292A>T on transcript NM_000059.4 (MANE Select); coding-DNA position 7292, A replaced by T.
Protein change: p.Asn2431Ile; replaces asparagine 2431 with isoleucine.
Molecular consequence: missense variant.
Genome position (GRCh38, 1-based): chr13:32,355,145, A>T. VCF-style: chr13-32355145-A-T. GRCh37 (hg19) VCF-style: chr13-32929282-A-T.
Other names: short protein forms N2431I.
Identifiers: ClinVar variation 924827 (VCV000924827.4), dbSNP rs2072681964, ClinGen allele CA387740827.
Genomic context (GRCh38, chr13:32,355,145, plus strand): 5'-AAACTAAATCACATTTTCACAGAGTTGAACAGTGTGTTAGGAATATTAACTTGGAGGAAA[A>T]CAGACAAAAGCAAAACATTGATGGACATGGCTCTGATGATAGTAAAAATAAGATTAATGA-3'
Protein context (NP_000050.3, residues 2421-2441): QCVRNINLEE[Asn2431Ile]RQKQNIDGHG